The following is an entry in ClinVar:

NM_139027.6(ADAMTS13):c.3775C>G (p.Leu1259Val)

Gene: ADAMTS13 (ADAM metallopeptidase with thrombospondin type 1 motif 13; plus strand). Cytogenetic location: 9q34.2.
Variant type: single nucleotide variant.
Coding change: c.3775C>G on transcript NM_139027.6 (MANE Select); coding-DNA position 3775, C replaced by G.
Protein change: p.Leu1259Val; replaces leucine 1259 with valine.
Molecular consequence: missense variant.
Genome position (GRCh38, 1-based): chr9:133,457,960, C>G. VCF-style: chr9-133457960-C-G. GRCh37 (hg19) VCF-style: chr9-136323082-C-G.
Other names: c.3943C>G, p.Leu1315Val (NM_139025.5); c.3682C>G, p.Leu1228Val (NM_139026.6); short protein forms L1228V, L1259V, L1315V.
Identifiers: ClinVar variation 2077322 (VCV002077322.5), dbSNP rs2490533770, ClinGen allele CA375418260.
Genomic context (GRCh38, chr9:133,457,960, plus strand): 5'-CCACCTGCAGAATGTGACATGCAGCTCTTTGGGCCCTGGGGTGAAATCGTGAGCCCCTCG[C>G]TGAGTCCAGCCACGAGTAATGCAGGGGGCTGCCGGCTCTTCATTAATGTGGCTCCGCACG-3'
Protein context (NP_620596.2, residues 1249-1269): GPWGEIVSPS[Leu1259Val]SPATSNAGGC

ClinVar aggregate classification (germline): Uncertain significance. Review status: criteria provided, multiple submitters, no conflicts (2 of 4 stars). 2 submissions from 2 submitters: Uncertain significance (2). Last evaluated 2024-11-04.

Conditions:
Inborn genetic diseases. Identifiers: MedGen C0950123, MeSH D030342.

Submissions (2):

Labcorp Genetics (formerly Invitae), Labcorp
Classification: Uncertain significance. Last evaluated: 2024-11-04. Review status: criteria provided, single submitter. Criteria: Invitae Variant Classification Sherloc (09022015). Collection method: clinical testing. Allele origin: germline.
Comment: This sequence change replaces leucine, which is neutral and non-polar, with valine, which is neutral and non-polar, at codon 1315 of the ADAMTS13 protein (p.Leu1315Val). This variant is not present in population databases (gnomAD no frequency). This variant has not been reported in the literature in individuals affected with ADAMTS13-related conditions. ClinVar contains an entry for this variant (Variation ID: 2077322). An algorithm developed to predict the effect of missense changes on protein structure and function outputs the following: PolyPhen-2: "Benign". The valine amino acid residue is found in multiple mammalian species, which suggests that this missense change does not adversely affect protein function. In summary, the available evidence is currently insufficient to determine the role of this variant in disease. Therefore, it has been classified as a Variant of Uncertain Significance.

Ambry Genetics
Classification: Uncertain significance for Inborn genetic diseases. Last evaluated: 2024-03-30. Review status: criteria provided, single submitter. Criteria: Ambry Variant Classification Scheme 2023. Collection method: clinical testing. Allele origin: germline.